The following is an entry in ClinVar:

ClinVar aggregate classification (germline): Uncertain significance (1 of 4 stars; one submission).

Submission:

Ambry Genetics
Classification: Uncertain significance. Last evaluated: 2022-04-19. Review status: criteria provided, single submitter. Criteria: Ambry Variant Classification Scheme 2023. Collection method: clinical testing. Allele origin: germline.
Comment: The p.N389D variant (also known as c.1165A>G), located in coding exon 10 of the RAD54L gene, results from an A to G substitution at nucleotide position 1165. The asparagine at codon 389 is replaced by aspartic acid, an amino acid with highly similar properties. This amino acid position is conserved. In addition, the in silico prediction for this alteration is inconclusive. Since supporting evidence is limited at this time, the clinical significance of this alteration remains unclear.

NM_003579.4(RAD54L):c.1165A>G (p.Asn389Asp)

Gene: RAD54L (RAD54 like; plus strand). Cytogenetic location: 1p34.1.
Variant type: single nucleotide variant.
Coding change: c.1165A>G on transcript NM_003579.4 (MANE Select); coding-DNA position 1165, A replaced by G.
Protein change: p.Asn389Asp; replaces asparagine 389 with aspartic acid.
Molecular consequence: missense variant.
Genome position (GRCh38, 1-based): chr1:46,270,781, A>G. VCF-style: chr1-46270781-A-G. GRCh37 (hg19) VCF-style: chr1-46736453-A-G.
Other names: c.1165A>G, p.Asn389Asp (NM_001142548.2); c.625A>G, p.Asn209Asp (NM_001370766.1); short protein forms N209D, N389D.
Identifiers: ClinVar variation 1737971 (VCV001737971.2), dbSNP rs2525701492, ClinGen allele CA340176038.
Genomic context (GRCh38, chr1:46,270,781, plus strand): 5'-GCTAGTGAGGCAGACAGGCAGCTAGGAGAGGAGCGGCTGCGGGAGCTCACCAGCATTGTG[A>G]ATAGGTAATGACCTTAAGCGAAGTCATTAGAATTGCCTCCCAAACCATCCATGGCCAATC-3'
Protein context (NP_003570.2, residues 379-399): ERLRELTSIV[Asn389Asp]RCLIRRTSDI